The following is an entry in ClinVar:

ClinVar aggregate classification (germline): Uncertain significance (1 of 4 stars; one submission).

Submission:

GeneDx
Classification: Uncertain significance. Last evaluated: 2025-07-01. Review status: criteria provided, single submitter. Criteria: GeneDx Variant Classification Process June 2021. Collection method: clinical testing. Allele origin: germline. Affected: yes.
Comment: Not observed at significant frequency in large population cohorts (gnomAD); In silico analysis suggests that this missense variant does not alter protein structure/function; Has not been previously published as pathogenic or benign to our knowledge

NM_001394062.1(MACF1):c.16456C>G (p.Gln5486Glu)

Gene: MACF1 (microtubule actin crosslinking factor 1; plus strand). Cytogenetic location: 1p34.3.
Variant type: single nucleotide variant.
Coding change: c.16456C>G on transcript NM_001394062.1 (MANE Select); coding-DNA position 16456, C replaced by G.
Protein change: p.Gln5486Glu; replaces glutamine 5486 with glutamic acid.
Molecular consequence: missense variant.
Genome position (GRCh38, 1-based): chr1:39,427,594, C>G. VCF-style: chr1-39427594-C-G. GRCh37 (hg19) VCF-style: chr1-39893266-C-G.
Other names: c.4852C>G, p.Gln1618Glu (NM_001397473.1); c.10270C>G, p.Gln3424Glu (NM_012090.5); short protein forms Q1618E, Q3424E, Q5486E.
Identifiers: ClinVar variation 4680944 (VCV004680944.1).